The following is an entry in ClinVar:

ClinVar aggregate classification (germline): Uncertain significance. Review status: criteria provided, multiple submitters, no conflicts (2 of 4 stars). 3 submissions from 3 submitters: Uncertain significance (3). Last evaluated 2025-03-25.

Conditions:
Familial thoracic aortic aneurysm and aortic dissection (TAAD). Also called: Thoracic aortic aneurysms and dissections. Identifiers: Orphanet 91387, MedGen C4707243, MONDO:0019625.

Allele frequency attached by ClinVar (database versions not stated): gnomAD exomes below 0.00001; ExAC 0.00001; TOPMed 0.00001.
gnomAD v4.1: 6 of 1,613,844 alleles (0.00037%); highest among the groups gnomAD compares: Admixed American, 0.005%; no homozygotes.

Submissions (3):

GeneDx
Classification: Uncertain significance. Last evaluated: 2025-03-25. Review status: criteria provided, single submitter. Criteria: GeneDx Variant Classification Process June 2021. Collection method: clinical testing. Allele origin: germline. Affected: yes.
Comment: Has not been previously published as pathogenic or benign to our knowledge; Not observed at significant frequency in large population cohorts (gnomAD); Alters the Kozak sequence, which plays a major role in the initiation of translation

Blueprint Genetics
Classification: Uncertain significance. Last evaluated: 2024-01-25. Review status: criteria provided, single submitter. Criteria: ACMG Guidelines, 2015. Collection method: clinical testing. Allele origin: germline.

Ambry Genetics
Classification: Uncertain significance for Familial thoracic aortic aneurysm and aortic dissection. Last evaluated: 2020-03-03. Review status: criteria provided, single submitter. Criteria: Ambry Variant Classification Scheme 2023. Collection method: clinical testing. Allele origin: germline.
Comment: The c.-1C>T variant is located in the 5' untranslated region (5&rsquo; UTR) of the TGFB3 gene. This variant results from a C to T substitution 1 base upstream from the first translated codon. This nucleotide position is highly conserved in available vertebrate species. Since supporting evidence is limited at this time, the clinical significance of this alteration remains unclear.

NM_003239.5(TGFB3):c.-1C>T

Gene: TGFB3 (transforming growth factor beta 3; minus strand). Cytogenetic location: 14q24.3.
Variant type: single nucleotide variant.
Coding change: c.-1C>T on transcript NM_003239.5 (MANE Select); 1 bases upstream of the start codon, C replaced by T.
Molecular consequence: 5 prime UTR variant.
Genome position (GRCh38, 1-based): chr14:75,980,894, G>A on the plus strand (C>T on the coding strand, the complement: TGFB3 is on the minus strand). VCF-style: chr14-75980894-G-A. GRCh37 (hg19) VCF-style: chr14-76447237-G-A.
Other names: c.-1C>T (NM_001329938.2, NM_001329939.2).
Identifiers: ClinVar variation 1784198 (VCV001784198.5), dbSNP rs756481950, ClinGen allele CA7280537.
Genomic context (GRCh38, chr14:75,980,894, plus strand): 5'-GACCGTGGCAAAGTTCAGCAGGGCCAGGACCACCAGAGCCCTTTGCAAGTGCATCTTCAT[G>A]TGTGAGCTGGGAAGAGAGGCCAGGGGGACGGCAAGGCCTGGAGAGGAAGAGACCCCAGCA-3'